The following is an entry in ClinVar:

NM_003873.7(NRP1):c.2232G>A (p.Lys744=)

Gene: NRP1 (neuropilin 1; minus strand). Cytogenetic location: 10p11.22.
Variant type: single nucleotide variant.
Coding change: c.2232G>A on transcript NM_003873.7 (MANE Select); coding-DNA position 2232, G replaced by A.
Protein change: p.Lys744=; no amino-acid change (lysine 744 retained).
Molecular consequence: synonymous variant. On other transcripts: non-coding transcript variant (1).
Genome position (GRCh38, 1-based): chr10:33,186,319, C>T on the plus strand (G>A on the coding strand, the complement: NRP1 is on the minus strand). VCF-style: chr10-33186319-C-T. GRCh37 (hg19) VCF-style: chr10-33475247-C-T.
Other names: c.2214G>A, p.Lys738= (NM_001244972.2); c.2211G>A, p.Lys737= (NM_001244973.2); c.2232G>A, p.Lys744= (NM_001330068.2).
Identifiers: ClinVar variation 4997154 (VCV004997154.1).

ClinVar aggregate classification (germline): Likely benign (1 of 4 stars; one submission).

Conditions:
NRP1-related disorder. Also called: NRP1-related condition.

gnomAD v4.1: 7 of 1,614,056 alleles (0.00043%); highest among the groups gnomAD compares: South Asian, 0.0055%; no homozygotes.

Submission:

PreventionGenetics, part of Exact Sciences
Classification: Likely benign for NRP1-related condition. Last evaluated: 2026-03-31. Review status: criteria provided, single submitter. Criteria: ACMG Guidelines, 2015. Collection method: clinical testing. Allele origin: germline.
Comment: This variant is classified as likely benign based on ACMG/AMP sequence variant interpretation guidelines (Richards et al. 2015 PMID: 25741868, with internal and published modifications).